The following is an entry in ClinVar:

NM_006208.3(ENPP1):c.1437+1G>T

Gene: ENPP1 (ectonucleotide pyrophosphatase/phosphodiesterase 1; plus strand). Cytogenetic location: 6q23.2.
Variant type: single nucleotide variant.
Coding change: c.1437+1G>T on transcript NM_006208.3 (MANE Select); the canonical splice donor site of the intron after coding-DNA position 1437, G replaced by T.
Molecular consequence: splice donor variant.
Genome position (GRCh38, 1-based): chr6:131,872,102, G>T. VCF-style: chr6-131872102-G-T. GRCh37 (hg19) VCF-style: chr6-132193242-G-T.
Identifiers: ClinVar variation 959832 (VCV000959832.8), dbSNP rs1782169595, ClinGen allele CA365675614.

ClinVar aggregate classification (germline): Pathogenic (1 of 4 stars; one submission).

Submission:

Labcorp Genetics (formerly Invitae), Labcorp
Classification: Pathogenic. Last evaluated: 2024-04-25. Review status: criteria provided, single submitter. Criteria: Invitae Variant Classification Sherloc (09022015). Collection method: clinical testing. Allele origin: germline.
Comment: This sequence change affects a donor splice site in intron 14 of the ENPP1 gene. It is expected to disrupt RNA splicing. Variants that disrupt the donor or acceptor splice site typically lead to a loss of protein function (PMID: 16199547), and loss-of-function variants in ENPP1 are known to be pathogenic (PMID: 12881724, 15605415, 16369898, 20016754, 20137773, 22539483). This variant is not present in population databases (gnomAD no frequency). Disruption of this splice site has been observed in individuals with autosomal recessive ENPP1-related conditions (PMID: 36150100; Invitae). ClinVar contains an entry for this variant (Variation ID: 959832). Algorithms developed to predict the effect of sequence changes on RNA splicing suggest that this variant may disrupt the consensus splice site. For these reasons, this variant has been classified as Pathogenic.

Literature cited by the submitters: PubMed 16199547; PubMed 12881724; PubMed 15605415; PubMed 16369898; PubMed 20016754; PubMed 20137773; PubMed 22539483; PubMed 36150100.